The following is an entry in ClinVar:

NM_001365951.3(KIF1B):c.1151G>A (p.Arg384His)

Gene: KIF1B (kinesin family member 1B; plus strand). Cytogenetic location: 1p36.22.
Variant type: single nucleotide variant.
Coding change: c.1151G>A on transcript NM_001365951.3 (MANE Select); coding-DNA position 1151, G replaced by A.
Protein change: p.Arg384His; replaces arginine 384 with histidine.
Molecular consequence: missense variant.
Genome position (GRCh38, 1-based): chr1:10,278,099, G>A. VCF-style: chr1-10278099-G-A. GRCh37 (hg19) VCF-style: chr1-10338157-G-A.
Other names: c.1151G>A, p.Arg384His (NM_001365952.1); c.1133G>A, p.Arg378His (NM_001365953.1, NM_015074.3, NM_183416.4); short protein forms R378H, R384H.
Identifiers: ClinVar variation 958079 (VCV000958079.13), dbSNP rs753524217, ClinGen allele CA580896.

ClinVar aggregate classification (germline): Uncertain significance. Review status: criteria provided, multiple submitters, no conflicts (2 of 4 stars). 3 submissions from 3 submitters: Uncertain significance (3). Last evaluated 2024-03-09.

Conditions:
Charcot-Marie-Tooth disease type 2. Also called: Charcot-Marie-Tooth type 2. Identifiers: Orphanet 64746, MedGen C0270914, MONDO:0018993.

Allele frequency attached by ClinVar (database versions not stated): ExAC 0.00001; gnomAD exomes 0.00001; TOPMed 0.00001.
gnomAD v4.1: 7 of 1,614,004 alleles (0.00043%); highest among the groups gnomAD compares: African/African-American, 0.0013%; no homozygotes.

Submissions (3):

Ambry Genetics
Classification: Uncertain significance. Last evaluated: 2024-03-09. Review status: criteria provided, single submitter. Criteria: Ambry Variant Classification Scheme 2023. Collection method: clinical testing. Allele origin: germline.
Comment: The p.R378H variant (also known as c.1133G>A), located in coding exon 11 of the KIF1B gene, results from a G to A substitution at nucleotide position 1133. The arginine at codon 378 is replaced by histidine, an amino acid with highly similar properties. This amino acid position is conserved. In addition, this alteration is predicted to be tolerated by in silico analysis. Since supporting evidence is limited at this time, the clinical significance of this alteration remains unclear.

Labcorp Genetics (formerly Invitae), Labcorp
Classification: Uncertain significance for Charcot-Marie-Tooth disease type 2. Last evaluated: 2019-09-19. Review status: criteria provided, single submitter. Criteria: Invitae Variant Classification Sherloc (09022015). Collection method: clinical testing. Allele origin: germline.
Comment: In summary, the available evidence is currently insufficient to determine the role of this variant in disease. Therefore, it has been classified as a Variant of Uncertain Significance. Algorithms developed to predict the effect of missense changes on protein structure and function are either unavailable or do not agree on the potential impact of this missense change (SIFT: "Deleterious"; PolyPhen-2: "Probably Damaging"; Align-GVGD: "Class C0"). This variant has not been reported in the literature in individuals with KIF1B-related conditions. This variant is present in population databases (rs753524217, ExAC 0.01%). This sequence change replaces arginine with histidine at codon 378 of the KIF1B protein (p.Arg378His). The arginine residue is moderately conserved and there is a small physicochemical difference between arginine and histidine.

Blueprint Genetics
Classification: Uncertain significance. Last evaluated: 2019-05-02. Review status: criteria provided, single submitter. Criteria: ACMG Guidelines, 2015. Collection method: clinical testing. Allele origin: germline.